The following is an entry in ClinVar:

ClinVar aggregate classification (germline): Likely benign (0 of 4 stars; one submission).

Conditions:
KMT2D-related disorder. Also called: KMT2D-Related Disorders.

Allele frequency attached by ClinVar (database versions not stated): gnomAD exomes below 0.00001; TOPMed below 0.00001.

Submission:

PreventionGenetics, part of Exact Sciences
Classification: Likely benign for KMT2D-related condition. Last evaluated: 2021-05-10. Review status: no assertion criteria provided. Collection method: clinical testing. Allele origin: germline.
Comment: This variant is classified as likely benign based on ACMG/AMP sequence variant interpretation guidelines (Richards et al. 2015 PMID: 25741868, with internal and published modifications).

NM_003482.4(KMT2D):c.7836T>C (p.Pro2612=)

Gene: KMT2D (lysine methyltransferase 2D; minus strand). Cytogenetic location: 12q13.12.
Variant type: single nucleotide variant.
Coding change: c.7836T>C on transcript NM_003482.4 (MANE Select); coding-DNA position 7836, T replaced by C.
Protein change: p.Pro2612=; no amino-acid change (proline 2612 retained).
Molecular consequence: synonymous variant.
Genome position (GRCh38, 1-based): chr12:49,039,934, A>G on the plus strand (T>C on the coding strand, the complement: KMT2D is on the minus strand). VCF-style: chr12-49039934-A-G. GRCh37 (hg19) VCF-style: chr12-49433717-A-G.
Identifiers: ClinVar variation 3031448 (VCV003031448.2), dbSNP rs1478015041, ClinGen allele CA479711338.
Genomic context (GRCh38, chr12:49,039,934, plus strand): 5'-GGCTCCATGGGACAGGTAGGGGAGGGATCCGTCGGGTGCAGGTGGTGGCAGAACCGACGG[A>G]GGGCGTAGTGGGGACAGCCCATAGCTCTCCCCTGTGGACCCGCTGCTGGGCCCCAGGGGG-3'
Protein context (NP_003473.3, residues 2602-2622): GESYGLSPLR[Pro2612=]PSVLPPPAPD